The following is an entry in ClinVar:

NM_203447.4(DOCK8):c.5404T>C (p.Ser1802Pro)

Gene: DOCK8 (dedicator of cytokinesis 8; plus strand). Cytogenetic location: 9p24.3.
Variant type: single nucleotide variant.
Coding change: c.5404T>C on transcript NM_203447.4 (MANE Select); coding-DNA position 5404, T replaced by C.
Protein change: p.Ser1802Pro; replaces serine 1802 with proline.
Molecular consequence: missense variant.
Genome position (GRCh38, 1-based): chr9:441,923, T>C. VCF-style: chr9-441923-T-C. GRCh37 (hg19) VCF-style: chr9-441923-T-C.
Other names: c.5104T>C, p.Ser1702Pro (NM_001190458.2); c.5200T>C, p.Ser1734Pro (NM_001193536.2); short protein forms S1734P, S1702P, S1802P.
Identifiers: ClinVar variation 2066381 (VCV002066381.4), dbSNP rs2537435929, ClinGen allele CA372768340.

ClinVar aggregate classification (germline): Uncertain significance (1 of 4 stars; one submission).

Conditions:
Combined immunodeficiency due to DOCK8 deficiency (HIES2). Also called: HIES autosomal recessive; DOCK8 Deficiency; HYPER-IgE SYNDROME 2, AUTOSOMAL RECESSIVE, WITH RECURRENT INFECTIONS; Hyper-IgE recurrent infection syndrome, autosomal recessive; HYPER-IgE RECURRENT INFECTION SYNDROME 2, AUTOSOMAL RECESSIVE. Identifiers: Orphanet 217390, MedGen C4722305, MONDO:0009478, OMIM 243700.

Submission:

Labcorp Genetics (formerly Invitae), Labcorp
Classification: Uncertain significance for Combined immunodeficiency due to DOCK8 deficiency. Last evaluated: 2024-02-17. Review status: criteria provided, single submitter. Criteria: Invitae Variant Classification Sherloc (09022015). Collection method: clinical testing. Allele origin: germline.
Comment: This sequence change replaces serine, which is neutral and polar, with proline, which is neutral and non-polar, at codon 1802 of the DOCK8 protein (p.Ser1802Pro). This variant is not present in population databases (gnomAD no frequency). This variant has not been reported in the literature in individuals affected with DOCK8-related conditions. ClinVar contains an entry for this variant (Variation ID: 2066381). Advanced modeling of protein sequence and biophysical properties (such as structural, functional, and spatial information, amino acid conservation, physicochemical variation, residue mobility, and thermodynamic stability) performed at Invitae indicates that this missense variant is not expected to disrupt DOCK8 protein function with a negative predictive value of 80%. In summary, the available evidence is currently insufficient to determine the role of this variant in disease. Therefore, it has been classified as a Variant of Uncertain Significance.